The following is an entry in ClinVar:

NM_201384.3(PLEC):c.4445C>T (p.Ala1482Val)

Gene: PLEC (plectin; minus strand). Cytogenetic location: 8q24.3.
Variant type: single nucleotide variant.
Coding change: c.4445C>T on transcript NM_201384.3 (MANE Select); coding-DNA position 4445, C replaced by T.
Protein change: p.Ala1482Val; replaces alanine 1482 with valine.
Molecular consequence: missense variant.
Genome position (GRCh38, 1-based): chr8:143,925,484, G>A on the plus strand (C>T on the coding strand, the complement: PLEC is on the minus strand). VCF-style: chr8-143925484-G-A. GRCh37 (hg19) VCF-style: chr8-144999652-G-A.
Other names: c.4526C>T (NM_000445.3); c.4526C>T, p.Ala1509Val (NM_000445.5); c.4403C>T, p.Ala1468Val (NM_201378.4); c.4379C>T, p.Ala1460Val (NM_201379.3); c.4856C>T, p.Ala1619Val (NM_201380.4); c.4349C>T, p.Ala1450Val (NM_201381.3); c.4445C>T, p.Ala1482Val (NM_201382.4); c.4457C>T, p.Ala1486Val (NM_201383.3); short protein forms A1482V, A1509V, A1468V, A1450V, A1460V, A1486V, A1619V.
Identifiers: ClinVar variation 857997 (VCV000857997.10), dbSNP rs368728018, ClinGen allele CA4926656.

ClinVar aggregate classification (germline): Uncertain significance. Review status: criteria provided, multiple submitters, no conflicts (2 of 4 stars). 3 submissions from 3 submitters: Uncertain significance (3). Last evaluated 2025-08-05.

Conditions:
Epidermolysis bullosa simplex 5B, with muscular dystrophy (EBS5B). Also called: Epidermolysis bullosa simplex with muscular dystrophy; EPIDERMOLYSIS BULLOSA SIMPLEX AND LIMB-GIRDLE MUSCULAR DYSTROPHY. Identifiers: Orphanet 257, MedGen C2931072, MONDO:0009181, OMIM 226670.
Epidermolysis bullosa simplex 5C, with pyloric atresia (EBS5C). Also called: PLEC1-Related Epidermolysis Bullosa with Pyloric Atresia; Epidermolysis bullosa simplex with pyloric atresia; PLEC-Related Epidermolysis Bullosa with Pyloric Atresia. Identifiers: Orphanet 158684, MedGen C2677349, MONDO:0012807, OMIM 612138.
Epidermolysis bullosa simplex, Ogna type (EBS5A). Also called: Pidermolysis bullosa simplex 5A, Ogna type; EPIDERMOLYSIS BULLOSA SIMPLEX 5A, OGNA TYPE. Identifiers: Orphanet 79401, MedGen C0432317, MONDO:0007555, OMIM 131950.
Autosomal recessive limb-girdle muscular dystrophy type 2Q (LGMDR17). Also called: MUSCULAR DYSTROPHY, LIMB-GIRDLE, AUTOSOMAL RECESSIVE 17. Identifiers: Orphanet 254361, MedGen C3150989, MONDO:0013390, OMIM 613723.
Epidermolysis bullosa simplex with nail dystrophy (EBS5D). Identifiers: MedGen C4225309, MONDO:0014661, OMIM 616487.
Inborn genetic diseases. Identifiers: MedGen C0950123, MeSH D030342.

Allele frequency attached by ClinVar (database versions not stated): gnomAD exomes 0.00001; ExAC 0.00002; TOPMed 0.00003; gnomAD 0.00001; ESP Exome Variant Server 0.00008; 1000 Genomes Project 30x 0.00031; 1000 Genomes Project 0.00040.
gnomAD v4.1: 25 of 1,595,988 alleles (0.0016%); highest among the groups gnomAD compares: Admixed American, 0.0033%; no homozygotes.

Submissions (3):

Ambry Genetics
Classification: Uncertain significance for Inborn genetic diseases. Last evaluated: 2025-08-05. Review status: criteria provided, single submitter. Criteria: Ambry Variant Classification Scheme 2023. Collection method: clinical testing. Allele origin: germline.

Labcorp Genetics (formerly Invitae), Labcorp
Classification: Uncertain significance for Autosomal recessive limb-girdle muscular dystrophy type 2Q; Epidermolysis bullosa simplex, Ogna type; Epidermolysis bullosa simplex with nail dystrophy; Epidermolysis bullosa simplex 5C, with pyloric atresia; Epidermolysis bullosa simplex 5B, with muscular dystrophy. Last evaluated: 2024-03-11. Review status: criteria provided, single submitter. Criteria: Invitae Variant Classification Sherloc (09022015). Collection method: clinical testing. Allele origin: germline.
Comment: This sequence change replaces alanine, which is neutral and non-polar, with valine, which is neutral and non-polar, at codon 1509 of the PLEC protein (p.Ala1509Val). This variant is present in population databases (rs368728018, gnomAD 0.003%). This variant has not been reported in the literature in individuals affected with PLEC-related conditions. ClinVar contains an entry for this variant (Variation ID: 857997). Advanced modeling of protein sequence and biophysical properties (such as structural, functional, and spatial information, amino acid conservation, physicochemical variation, residue mobility, and thermodynamic stability) performed at Invitae indicates that this missense variant is not expected to disrupt PLEC protein function with a negative predictive value of 80%. In summary, the available evidence is currently insufficient to determine the role of this variant in disease. Therefore, it has been classified as a Variant of Uncertain Significance.

Revvity Omics, Revvity
Classification: Uncertain significance. Last evaluated: 2021-07-07. Review status: criteria provided, single submitter. Criteria: ACMG Guidelines, 2015. Collection method: clinical testing. Allele origin: germline.